The following is an entry in ClinVar:

NM_000051.4(ATM):c.1750C>T (p.Gln584Ter)

Gene: ATM (ATM serine/threonine kinase; plus strand). Cytogenetic location: 11q22.3.
Variant type: single nucleotide variant.
Coding change: c.1750C>T on transcript NM_000051.4 (MANE Select); coding-DNA position 1750, C replaced by T.
Protein change: p.Gln584Ter; replaces glutamine 584 with a stop codon.
Molecular consequence: nonsense.
Genome position (GRCh38, 1-based): chr11:108,251,979, C>T. VCF-style: chr11-108251979-C-T. GRCh37 (hg19) VCF-style: chr11-108122706-C-T.
Other names: c.1750C>T, p.Gln584Ter (NM_001351834.2); short protein forms Q584*.
Identifiers: ClinVar variation 950390 (VCV000950390.10), dbSNP rs2080176523, ClinGen allele CA382535368.

ClinVar aggregate classification (germline): Pathogenic. Review status: criteria provided, multiple submitters, no conflicts (2 of 4 stars). 4 submissions from 4 submitters: Pathogenic (4). Last evaluated 2025-07-21.

Conditions:
Hereditary cancer-predisposing syndrome. Also called: Hereditary neoplastic syndrome; Tumor predisposition; Neoplastic Syndromes, Hereditary; Hereditary Cancer Syndrome. Identifiers: Orphanet 140162, MedGen C0027672, MeSH D009386, MONDO:0015356.
Familial cancer of breast. Also called: Hereditary breast cancer; hereditary breast carcinoma; BREAST CANCER, FAMILIAL. Identifiers: Orphanet 227535, MedGen C0346153, MONDO:0016419, OMIM 114480. Disease mechanism: loss of function.
Ataxia-telangiectasia syndrome (AT). Also called: LOUIS-BAR SYNDROME; Ataxia telangiectasia (A-T); Cerebello-oculocutaneous telangiectasia; Immunodeficiency with ataxia telangiectasia; ATAXIA-TELANGIECTASIA, COMPLEMENTATION GROUP A; ATAXIA-TELANGIECTASIA, FRESNO VARIANT. Identifiers: Orphanet 100, MedGen C0004135, MONDO:0008840, OMIM 208900.

Submissions (4):

Labcorp Genetics (formerly Invitae), Labcorp
Classification: Pathogenic for Ataxia-telangiectasia syndrome. Last evaluated: 2025-07-21. Review status: criteria provided, single submitter. Criteria: Invitae Variant Classification Sherloc (09022015). Collection method: clinical testing. Allele origin: germline.
Comment: This sequence change creates a premature translational stop signal (p.Gln584*) in the ATM gene. It is expected to result in an absent or disrupted protein product. Loss-of-function variants in ATM are known to be pathogenic (PMID: 23807571, 25614872). This variant is not present in population databases (gnomAD no frequency). This variant has not been reported in the literature in individuals affected with ATM-related conditions. ClinVar contains an entry for this variant (Variation ID: 950390). RNA analysis performed to evaluate the impact of this premature translational stop signal on mRNA splicing indicates it does not significantly alter splicing (internal data). For these reasons, this variant has been classified as Pathogenic.

Ambry Genetics
Classification: Pathogenic for Hereditary cancer-predisposing syndrome. Last evaluated: 2025-01-27. Review status: criteria provided, single submitter. Criteria: Ambry Variant Classification Scheme 2023. Collection method: clinical testing. Allele origin: germline.
Comment: The p.Q584* pathogenic mutation (also known as c.1750C>T), located in coding exon 10 of the ATM gene, results from a C to T substitution at nucleotide position 1750. This changes the amino acid from a glutamine to a stop codon within coding exon 10. This variant is considered to be rare based on population cohorts in the Genome Aggregation Database (gnomAD). This alteration is expected to result in loss of function by premature protein truncation or nonsense-mediated mRNA decay. As such, this alteration is interpreted as a disease-causing mutation.

Myriad Genetics, Inc.
Classification: Pathogenic for Familial cancer of breast. Last evaluated: 2024-01-16. Review status: criteria provided, single submitter. Criteria: Myriad Autosomal Dominant, Autosomal Recessive and X-Linked Classification Criteria (2023). Collection method: clinical testing. Allele origin: unknown.
Comment: This variant is considered pathogenic. This variant creates a termination codon and is predicted to result in premature protein truncation.

GeneDx
Classification: Pathogenic. Last evaluated: 2023-07-26. Review status: criteria provided, single submitter. Criteria: GeneDx Variant Classification Process June 2021. Collection method: clinical testing. Allele origin: germline. Affected: yes.
Comment: Nonsense variant predicted to result in protein truncation or nonsense mediated decay in a gene for which loss of function is a known mechanism of disease; Not observed at significant frequency in large population cohorts (gnomAD); Truncating variants in this gene are considered pathogenic by a well-established clinical consortium and/or database; Has not been previously published as pathogenic or benign to our knowledge

Literature cited by the submitters: PubMed 23807571 (cited by Labcorp Genetics (formerly Invitae), Labcorp); PubMed 25614872 (cited by Labcorp Genetics (formerly Invitae), Labcorp).